The following is an entry in ClinVar:

ClinVar aggregate classification (germline): Uncertain significance (1 of 4 stars; one submission).

Allele frequency attached by ClinVar (database versions not stated): gnomAD 0.00001; gnomAD exomes 0.00001.

Submission:

Labcorp Genetics (formerly Invitae), Labcorp
Classification: Uncertain significance. Last evaluated: 2024-05-29. Review status: criteria provided, single submitter. Criteria: Invitae Variant Classification Sherloc (09022015). Collection method: clinical testing. Allele origin: germline.
Comment: This sequence change replaces valine, which is neutral and non-polar, with alanine, which is neutral and non-polar, at codon 140 of the THBD protein (p.Val140Ala). This variant is present in population databases (no rsID available, gnomAD 0.005%). This variant has not been reported in the literature in individuals affected with THBD-related conditions. Advanced modeling of protein sequence and biophysical properties (such as structural, functional, and spatial information, amino acid conservation, physicochemical variation, residue mobility, and thermodynamic stability) performed at Invitae indicates that this missense variant is expected to disrupt THBD protein function with a positive predictive value of 80%. In summary, the available evidence is currently insufficient to determine the role of this variant in disease. Therefore, it has been classified as a Variant of Uncertain Significance.

NM_000361.3(THBD):c.419T>C (p.Val140Ala)

Gene: THBD (thrombomodulin; minus strand). Cytogenetic location: 20p11.21.
Variant type: single nucleotide variant.
Coding change: c.419T>C on transcript NM_000361.3 (MANE Select); coding-DNA position 419, T replaced by C.
Protein change: p.Val140Ala; replaces valine 140 with alanine.
Molecular consequence: missense variant.
Genome position (GRCh38, 1-based): chr20:23,049,086, A>G on the plus strand (T>C on the coding strand, the complement: THBD is on the minus strand). VCF-style: chr20-23049086-A-G. GRCh37 (hg19) VCF-style: chr20-23029723-A-G.
Other names: short protein forms V140A.
Identifiers: ClinVar variation 2877807 (VCV002877807.3), dbSNP rs1245046182, ClinGen allele CA408407726.